The following is an entry in ClinVar:

ClinVar aggregate classification (germline): Likely pathogenic (1 of 4 stars; one submission).

Conditions:
Corticosterone methyl oxidase type II deficiency.

Submission:

Natera, Inc.
Classification: Likely pathogenic for Corticosterone methyl oxidase type II deficiency. Last evaluated: 2025-09-21. Review status: criteria provided, single submitter. Criteria: Natera Variant Classification Schema (03/2026). Collection method: clinical testing. Allele origin: germline.
Comment: The c.239+1G>C variant in CYP11B2 is a canonical splice donor site variant predicted to affect pre-mRNA splicing, which may result in an abnormal transcript and altered protein product. This variant is expected to result in nonsense mediated decay, truncation, or a dysfunctional protein product. This variant is rare in the general population with a frequency below the threshold expected for the associated phenotype(s). Given the available evidence, this variant is classified as Likely Pathogenic.

NM_000498.3(CYP11B2):c.239+1G>C

Genes: CYP11B2 (cytochrome P450 family 11 subfamily B member 2; minus strand), LOC106799834 (CYP11B2 recombination region; plus strand). Cytogenetic location: 8q24.3.
Variant type: single nucleotide variant.
Coding change: c.239+1G>C on transcript NM_000498.3 (MANE Select); the canonical splice donor site of the intron after coding-DNA position 239, G replaced by C.
Molecular consequence: splice donor variant.
Genome position (GRCh38, 1-based): chr8:142,917,601, C>G on the plus strand (G>C on the coding strand, the complement: CYP11B2 is on the minus strand). VCF-style: chr8-142917601-C-G. GRCh37 (hg19) VCF-style: chr8-143999017-C-G.
Identifiers: ClinVar variation 4818604 (VCV004818604.1).